The following is an entry in ClinVar:

NM_152564.5(VPS13B):c.1639A>G (p.Thr547Ala)

Gene: VPS13B (vacuolar protein sorting 13 homolog B; plus strand). Cytogenetic location: 8q22.2.
Variant type: single nucleotide variant.
Coding change: c.1639A>G on transcript NM_152564.5 (MANE Select); coding-DNA position 1639, A replaced by G.
Protein change: p.Thr547Ala; replaces threonine 547 with alanine.
Molecular consequence: missense variant.
Genome position (GRCh38, 1-based): chr8:99,136,740, A>G. VCF-style: chr8-99136740-A-G. GRCh37 (hg19) VCF-style: chr8-100148968-A-G.
Other names: p.Thr547Ala; c.1639A>G, p.Thr547Ala (NM_015243.3, NM_017890.5); c.1639A>G (NM_152564.4); short protein forms T547A.
Identifiers: ClinVar variation 374535 (VCV000374535.68), dbSNP rs142971568, ClinGen allele CA4822692.

ClinVar aggregate classification (germline): Conflicting classifications of pathogenicity. Review status: criteria provided, conflicting classifications (1 of 4 stars). 10 submissions from 10 submitters: Uncertain significance (4); Likely benign (4). 2 of the submissions do not count toward it. Last evaluated 2026-01-25.

Conditions:
VPS13B-related disorder. Also called: VPS13B-related condition.
Inborn genetic diseases. Identifiers: MedGen C0950123, MeSH D030342.
Cohen syndrome (COH1). Also called: Cutis verticis gyrata, retinitis pigmentosa, and sensorineural deafness; PEPPER SYNDROME. Identifiers: Orphanet 193, MedGen C0265223, MONDO:0008999, OMIM 216550.

Allele frequency attached by ClinVar (database versions not stated): ESP Exome Variant Server 0.00015; gnomAD 0.00019 and 0.00022; 1000 Genomes Project 0.00020; gnomAD exomes 0.00020 and 0.00023; TOPMed 0.00026; 1000 Genomes Project 30x 0.00031; ExAC 0.00032.
gnomAD v4.1: 346 of 1,613,576 alleles (0.021%); highest among the groups gnomAD compares: Middle Eastern, 0.099%; no homozygotes.

Submissions (10):

Labcorp Genetics (formerly Invitae), Labcorp
Classification: Likely benign for Cohen syndrome. Last evaluated: 2026-01-25. Review status: criteria provided, single submitter. Criteria: Invitae Variant Classification Sherloc (09022015). Collection method: clinical testing. Allele origin: germline.

Mayo Clinic Laboratories, Mayo Clinic
Classification: Likely benign. Last evaluated: 2025-09-24. Review status: criteria provided, single submitter. Criteria: ACMG Guidelines, 2015. Collection method: clinical testing. Allele origin: germline. Observed: 3 variant alleles.
Comment: BS2, BP1, BP4_moderate

Blueprint Genetics
Classification: Likely benign. Last evaluated: 2024-10-11. Review status: criteria provided, single submitter. Criteria: ACMG Guidelines, 2015. Collection method: clinical testing. Allele origin: germline.

Ambry Genetics
Classification: Uncertain significance for Inborn genetic diseases. Last evaluated: 2020-05-12. Review status: criteria provided, single submitter. Criteria: Ambry Variant Classification Scheme 2023. Collection method: clinical testing. Allele origin: germline.
Comment: The p.T547A variant (also known as c.1639A>G), located in coding exon 11 of the VPS13B gene, results from an A to G substitution at nucleotide position 1639. The threonine at codon 547 is replaced by alanine, an amino acid with similar properties. This amino acid position is not well conserved in available vertebrate species, and alanine is the reference amino acid in other vertebrate species. In addition, this alteration is predicted to be tolerated by in silico analysis. Since supporting evidence is limited at this time, the clinical significance of this alteration remains unclear.

Illumina Laboratory Services, Illumina
Classification: Uncertain significance for Cohen syndrome. Last evaluated: 2018-01-13. Review status: criteria provided, single submitter. Criteria: ICSL Variant Classification Criteria 13 December 2019. Collection method: clinical testing. Allele origin: germline.

GeneDx
Classification: Likely benign. Last evaluated: 2018-01-09. Review status: criteria provided, single submitter. Criteria: GeneDx Variant Classification (06012015). Collection method: clinical testing. Allele origin: germline. Affected: yes.
Comment: This variant is considered likely benign or benign based on one or more of the following criteria: it is a conservative change, it occurs at a poorly conserved position in the protein, it is predicted to be benign by multiple in silico algorithms, and/or has population frequency not consistent with disease.

CeGaT Center for Human Genetics Tuebingen
Classification: Uncertain significance. Last evaluated: 2016-08-01. Review status: criteria provided, single submitter. Criteria: CeGaT Center For Human Genetics Tuebingen Variant Classification Criteria Version 2. Collection method: clinical testing. Allele origin: germline. Affected: yes. Observed: 1 variant allele.

Genetic Services Laboratory, University of Chicago
Classification: Uncertain significance. Last evaluated: 2015-10-27. Review status: criteria provided, single submitter. Criteria: ACMG Guidelines, 2015. Collection method: clinical testing. Allele origin: germline. Affected: no.

PreventionGenetics, part of Exact Sciences
Classification: Likely benign for VPS13B-related condition. Last evaluated: 2021-07-19. Review status: no assertion criteria provided. Collection method: clinical testing. Allele origin: germline. Not counted in ClinVar's aggregate classification.
Comment: This variant is classified as likely benign based on ACMG/AMP sequence variant interpretation guidelines (Richards et al. 2015 PMID: 25741868, with internal and published modifications).

Natera, Inc.
Classification: Benign for Cohen syndrome. Last evaluated: 2019-10-21. Review status: no assertion criteria provided. Collection method: clinical testing. Allele origin: germline. Not counted in ClinVar's aggregate classification.